The following is an entry in ClinVar:

ClinVar aggregate classification (germline): Benign/Likely benign. Review status: criteria provided, multiple submitters, no conflicts (2 of 4 stars). 12 submissions from 11 submitters: Benign (6); Likely benign (4). 2 of the submissions do not count toward it. Last evaluated 2026-04-01.

Conditions:
Emery-Dreifuss muscular dystrophy 4, autosomal dominant (EDMD4). Also called: EMERY-DREIFUSS MUSCULAR DYSTROPHY 4 WITH VARIABLE FEATURES. Identifiers: Orphanet 261, MedGen C2751807, MONDO:0013071, OMIM 612998.
Autosomal recessive ataxia, Beauce type. Also called: SYNE1 Deficiency; SYNE1-Related Autosomal Recessive Cerebellar Ataxia; ATAXIA, RECESSIVE, OF BEAUCE; Spinocerebellar ataxia, autosomal recessive 8. Identifiers: Orphanet 88644, MedGen C1853116, MONDO:0012549, OMIM 610743.
Arthrogryposis multiplex congenita 3, myogenic type. Also called: ARTHROGRYPOSIS MULTIPLEX CONGENITA, MYOGENIC TYPE. Identifiers: MedGen C5193121, MONDO:0032778, OMIM 618484.
SYNE1-related disorder. Also called: SYNE1-related disease; SYNE1-related condition; SYNE1-related disorders.

Allele frequency attached by ClinVar (database versions not stated): gnomAD 0.00089; TOPMed 0.00090; gnomAD exomes 0.00123; 1000 Genomes Project 30x 0.00234; 1000 Genomes Project 0.00280.
gnomAD v4.1: 705 of 1,614,138 alleles (0.044%); highest among the groups gnomAD compares: East Asian, 1.3%; 12 homozygotes.

Submissions (12):

CeGaT Center for Human Genetics Tuebingen
Classification: Likely benign. Last evaluated: 2026-04-01. Review status: criteria provided, single submitter. Criteria: CeGaT Center For Human Genetics Tuebingen Variant Classification Criteria Version 2. Collection method: clinical testing. Allele origin: germline. Affected: yes. Observed: 1 variant allele.
Comment: SYNE1: BP4, BS1

Labcorp Genetics (formerly Invitae), Labcorp
Classification: Benign for Emery-Dreifuss muscular dystrophy 4, autosomal dominant; Autosomal recessive ataxia, Beauce type. Last evaluated: 2026-01-25. Review status: criteria provided, single submitter. Criteria: Invitae Variant Classification Sherloc (09022015). Collection method: clinical testing. Allele origin: germline.

PreventionGenetics, part of Exact Sciences
Classification: Benign for SYNE1-related condition. Last evaluated: 2024-11-12. Review status: criteria provided, single submitter. Criteria: ACMG Guidelines, 2015. Collection method: clinical testing. Allele origin: germline.
Comment: This variant is classified as benign based on ACMG/AMP sequence variant interpretation guidelines (Richards et al. 2015 PMID: 25741868, with internal and published modifications).

Blueprint Genetics
Classification: Likely benign. Last evaluated: 2024-10-28. Review status: criteria provided, single submitter. Criteria: ACMG Guidelines, 2015. Collection method: clinical testing. Allele origin: germline.

Fulgent Genetics
Classification: Likely benign for Autosomal recessive ataxia, Beauce type; Emery-Dreifuss muscular dystrophy 4, autosomal dominant; Arthrogryposis multiplex congenita 3, myogenic type. Last evaluated: 2021-08-10. Review status: criteria provided, single submitter. Criteria: ACMG Guidelines, 2015. Collection method: clinical testing. Allele origin: unknown.

Athena Diagnostics
Classification: Benign. Last evaluated: 2018-03-15. Review status: criteria provided, single submitter. Criteria: Athena Diagnostics Criteria. Collection method: clinical testing. Allele origin: germline.

Illumina Laboratory Services, Illumina
Classification: Benign for Autosomal recessive ataxia, Beauce type. Last evaluated: 2018-01-13. Review status: criteria provided, single submitter. Criteria: ICSL Variant Classification Criteria 13 December 2019. Collection method: clinical testing. Allele origin: germline.
Comment: This variant was observed in the ICSL laboratory as part of a predisposition screen in an ostensibly healthy population. It had not been previously curated by ICSL or reported in the Human Gene Mutation Database (HGMD: prior to June 1st, 2018), and was therefore a candidate for classification through an automated scoring system. Utilizing variant allele frequency, disease prevalence and penetrance estimates, and inheritance mode, an automated score was calculated to assess if this variant is too frequent to cause the disease. Based on the score and internal cut-off values, a variant classified as benign is not then subjected to further curation. The score for this variant resulted in a classification of benign for this disease.

Illumina Laboratory Services, Illumina
Classification: Benign for Emery-Dreifuss muscular dystrophy 4, autosomal dominant. Last evaluated: 2018-01-13. Review status: criteria provided, single submitter. Criteria: ICSL Variant Classification Criteria 13 December 2019. Collection method: clinical testing. Allele origin: germline.
Comment: the same text as in the submission from Illumina Laboratory Services, Illumina above.

GeneDx
Classification: Likely benign. Last evaluated: 2017-12-27. Review status: criteria provided, single submitter. Criteria: GeneDx Variant Classification (06012015). Collection method: clinical testing. Allele origin: germline. Affected: yes.
Comment: This variant is considered likely benign or benign based on one or more of the following criteria: it is a conservative change, it occurs at a poorly conserved position in the protein, it is predicted to be benign by multiple in silico algorithms, and/or has population frequency not consistent with disease.

Eurofins Ntd Llc (ga)
Classification: Benign. Last evaluated: 2016-01-26. Review status: criteria provided, single submitter. Criteria: EGL Classification Definitions 2015. Collection method: clinical testing. Allele origin: germline. Observed: 1 variant allele, 1 heterozygote.

Clinical Genetics DNA and cytogenetics Diagnostics Lab, Erasmus MC, Erasmus Medical Center
Classification: Benign. Review status: no assertion criteria provided. Collection method: clinical testing. Allele origin: germline. Affected: yes. Study: VKGL Data-share Consensus. Not counted in ClinVar's aggregate classification.

Genome Diagnostics Laboratory, University Medical Center Utrecht
Classification: Likely benign. Review status: no assertion criteria provided. Collection method: clinical testing. Allele origin: germline. Affected: yes. Study: VKGL Data-share Consensus. Not counted in ClinVar's aggregate classification.

NM_182961.4(SYNE1):c.24481A>C (p.Asn8161His)

Gene: SYNE1 (spectrin repeat containing nuclear envelope protein 1; minus strand). Cytogenetic location: 6q25.2.
Variant type: single nucleotide variant.
Coding change: c.24481A>C on transcript NM_182961.4 (MANE Select); coding-DNA position 24481, A replaced by C.
Protein change: p.Asn8161His; replaces asparagine 8161 with histidine.
Molecular consequence: missense variant.
Genome position (GRCh38, 1-based): chr6:152,149,638, T>G on the plus strand (A>C on the coding strand, the complement: SYNE1 is on the minus strand). VCF-style: chr6-152149638-T-G. GRCh37 (hg19) VCF-style: chr6-152470773-T-G.
Other names: c.1087A>C, p.Asn363His (NM_001347701.2); c.946A>C, p.Asn316His (NM_001347702.2); c.24268A>C, p.Asn8090His (NM_033071.5); short protein forms N8090H, N8161H, N316H, N363H.
Identifiers: ClinVar variation 285642 (VCV000285642.27), dbSNP rs36215251, ClinGen allele CA4053163.